The following is an entry in ClinVar:

NM_000188.3(HK1):c.754G>A (p.Glu252Lys)

Gene: HK1 (hexokinase 1; plus strand). Cytogenetic location: 10q22.1.
Variant type: single nucleotide variant.
Coding change: c.754G>A on transcript NM_000188.3 (MANE Select); coding-DNA position 754, G replaced by A.
Protein change: p.Glu252Lys; replaces glutamic acid 252 with lysine.
Molecular consequence: missense variant.
Genome position (GRCh38, 1-based): chr10:69,369,503, G>A. VCF-style: chr10-69369503-G-A. GRCh37 (hg19) VCF-style: chr10-71129259-G-A.
Other names: c.859G>A, p.Glu287Lys (NM_001322365.2); c.670G>A, p.Glu224Lys (NM_001322366.1); c.658G>A, p.Glu220Lys (NM_001322367.1); c.766G>A, p.Glu256Lys (NM_001358263.1, NM_033497.3, NM_033498.3 and 1 more transcripts); c.751G>A, p.Glu251Lys (NM_033496.3); c.718G>A, p.Glu240Lys (NM_033500.2); short protein forms E220K, E224K, E240K, E251K, E252K, E256K, E287K.
Identifiers: ClinVar variation 2640549 (VCV002640549.24), dbSNP rs1210981978, ClinGen allele CA376914223.

ClinVar aggregate classification (germline): Uncertain significance (1 of 4 stars; one submission).

Allele frequency attached by ClinVar (database versions not stated): gnomAD exomes below 0.00001.
gnomAD v4.1: 2 of 1,614,232 alleles (0.00012%); highest among the groups gnomAD compares: Non-Finnish European, 0.00017%; no homozygotes.

Submission:

CeGaT Center for Human Genetics Tuebingen
Classification: Uncertain significance. Last evaluated: 2022-10-01. Review status: criteria provided, single submitter. Criteria: CeGaT Center For Human Genetics Tuebingen Variant Classification Criteria Version 2. Collection method: clinical testing. Allele origin: germline. Affected: yes. Observed: 1 variant allele.
Comment: HK1: PM2, PP2, PP3